The following is an entry in ClinVar:

ClinVar aggregate classification (germline): Conflicting classifications of pathogenicity. Review status: criteria provided, conflicting classifications (1 of 4 stars). 3 submissions from 3 submitters: Uncertain significance (1); Likely benign (2). Last evaluated 2024-09-19.

Conditions:
Hereditary cancer-predisposing syndrome. Also called: Hereditary Cancer Syndrome; Hereditary neoplastic syndrome; Neoplastic Syndromes, Hereditary; Tumor predisposition. Identifiers: Orphanet 140162, MedGen C0027672, MeSH D009386, MONDO:0015356.
Hereditary diffuse gastric adenocarcinoma (HDGC). Also called: DIFFUSE GASTRIC AND LOBULAR BREAST CANCER SYNDROME. Identifiers: Orphanet 26106, MedGen C1708349, MONDO:0007648, OMIM 137215.

Submissions (3):

Myriad Genetics, Inc.
Classification: Likely benign for Hereditary diffuse gastric adenocarcinoma. Last evaluated: 2024-09-19. Review status: criteria provided, single submitter. Criteria: Myriad Autosomal Dominant, Autosomal Recessive and X-Linked Classification Criteria (2023). Collection method: clinical testing. Allele origin: unknown.
Comment: This variant is considered likely benign. This variant is intronic and is not expected to impact mRNA splicing.

Labcorp Genetics (formerly Invitae), Labcorp
Classification: Likely benign for Hereditary diffuse gastric adenocarcinoma. Last evaluated: 2024-06-15. Review status: criteria provided, single submitter. Criteria: Invitae Variant Classification Sherloc (09022015). Collection method: clinical testing. Allele origin: germline.

Color Diagnostics, LLC DBA Color Health
Classification: Uncertain significance for Hereditary cancer-predisposing syndrome. Last evaluated: 2019-03-26. Review status: criteria provided, single submitter. Criteria: ACMG Guidelines, 2015. Collection method: clinical testing. Allele origin: germline.

NM_004360.5(CDH1):c.1712-3T>C

Gene: CDH1 (cadherin 1; plus strand). Cytogenetic location: 16q22.1.
Variant type: single nucleotide variant.
Coding change: c.1712-3T>C on transcript NM_004360.5 (MANE Select); 3 bases into the intron before coding-DNA position 1712, T replaced by C.
Molecular consequence: intron variant.
Genome position (GRCh38, 1-based): chr16:68,821,998, T>C. VCF-style: chr16-68821998-T-C. GRCh37 (hg19) VCF-style: chr16-68855901-T-C.
Other names: c.164-3T>C (NM_001317185.2); c.-254-3T>C (NM_001317186.2); c.1529-3T>C (NM_001317184.2).
Identifiers: ClinVar variation 918844 (VCV000918844.12), dbSNP rs1269786119, ClinGen allele CA913188785.
Genomic context (GRCh38, chr16:68,821,998, plus strand): 5'-GGAAGGCAATGGGGATTCATTACTGTTGCCAAGCTGCCACATTTTCTGTGTATTTTCTCT[T>C]AGGTTCTCCAGTTGCTACTGGAACAGGGACACTTCTGCTGATCCTGTCTGATGTGAATGA-3'